The following is an entry in ClinVar:

ClinVar aggregate classification (germline): Uncertain significance (1 of 4 stars; one submission).

Submission:

GeneDx
Classification: Uncertain significance. Last evaluated: 2026-03-23. Review status: criteria provided, single submitter. Criteria: GeneDx Variant Classification Process June 2021. Collection method: clinical testing. Allele origin: germline.
Comment: Not observed at significant frequency in large population cohorts (gnomAD); In silico analysis supports that this missense variant has a deleterious effect on protein structure/function; Has not been previously published as pathogenic or benign to our knowledge

NM_001348768.2(HECW2):c.4391A>G (p.Asn1464Ser)

Gene: HECW2 (HECT, C2 and WW domain containing E3 ubiquitin protein ligase 2; minus strand). Cytogenetic location: 2q32.3.
Variant type: single nucleotide variant.
Coding change: c.4391A>G on transcript NM_001348768.2 (MANE Select); coding-DNA position 4391, A replaced by G.
Protein change: p.Asn1464Ser; replaces asparagine 1464 with serine.
Molecular consequence: missense variant.
Genome position (GRCh38, 1-based): chr2:196,220,056, T>C on the plus strand (A>G on the coding strand, the complement: HECW2 is on the minus strand). VCF-style: chr2-196220056-T-C. GRCh37 (hg19) VCF-style: chr2-197084780-T-C.
Other names: c.3323A>G, p.Asn1108Ser (NM_001304840.3); c.4391A>G, p.Asn1464Ser (NM_020760.4); short protein forms N1108S, N1464S.
Identifiers: ClinVar variation 3777670 (VCV003777670.2).